The following is an entry in ClinVar:

ClinVar aggregate classification (germline): Uncertain significance. Review status: criteria provided, multiple submitters, no conflicts (2 of 4 stars). 2 submissions from 2 submitters: Uncertain significance (2). Last evaluated 2026-03-10.

Conditions:
Hereditary cancer-predisposing syndrome. Also called: Tumor predisposition; Hereditary Cancer Syndrome; Hereditary neoplastic syndrome; Neoplastic Syndromes, Hereditary. Identifiers: Orphanet 140162, MedGen C0027672, MeSH D009386, MONDO:0015356.
Retinoblastoma (RB1). Also called: RETINOBLASTOMA, SOMATIC. Identifiers: Orphanet 790, MedGen C0035335, MeSH D012175, MONDO:0008380, OMIM 180200, HP:0009919. Disease mechanism: loss of function. Inheritance: Both sporadic and heritable forms are tested..

Allele frequency attached by ClinVar (database versions not stated): gnomAD exomes below 0.00001.
gnomAD v4.1: 3 of 1,612,550 alleles (0.00019%); highest among the groups gnomAD compares: Non-Finnish European, 0.00025%; no homozygotes.

Submissions (2):

Ambry Genetics
Classification: Uncertain significance for Hereditary cancer-predisposing syndrome. Last evaluated: 2026-03-10. Review status: criteria provided, single submitter. Criteria: Ambry Variant Classification Scheme 2023. Collection method: clinical testing. Allele origin: germline.

Labcorp Genetics (formerly Invitae), Labcorp
Classification: Uncertain significance for Retinoblastoma. Last evaluated: 2024-03-26. Review status: criteria provided, single submitter. Criteria: Invitae Variant Classification Sherloc (09022015). Collection method: clinical testing. Allele origin: germline.
Comment: This sequence change replaces proline, which is neutral and non-polar, with serine, which is neutral and polar, at codon 568 of the RB1 protein (p.Pro568Ser). This variant is not present in population databases (gnomAD no frequency). This variant has not been reported in the literature in individuals affected with RB1-related conditions. ClinVar contains an entry for this variant (Variation ID: 1778373). Advanced modeling of protein sequence and biophysical properties (such as structural, functional, and spatial information, amino acid conservation, physicochemical variation, residue mobility, and thermodynamic stability) performed at Invitae indicates that this missense variant is not expected to disrupt RB1 protein function with a negative predictive value of 80%. In summary, the available evidence is currently insufficient to determine the role of this variant in disease. Therefore, it has been classified as a Variant of Uncertain Significance.

NM_000321.3(RB1):c.1702C>T (p.Pro568Ser)

Gene: RB1 (RB transcriptional corepressor 1; plus strand). Cytogenetic location: 13q14.2.
Variant type: single nucleotide variant.
Coding change: c.1702C>T on transcript NM_000321.3 (MANE Select); coding-DNA position 1702, C replaced by T.
Protein change: p.Pro568Ser; replaces proline 568 with serine.
Molecular consequence: missense variant.
Genome position (GRCh38, 1-based): chr13:48,452,999, C>T. VCF-style: chr13-48452999-C-T. GRCh37 (hg19) VCF-style: chr13-49027135-C-T.
Other names: c.1702C>T, p.Pro568Ser (NM_001407165.1); short protein forms P568S.
Identifiers: ClinVar variation 1778373 (VCV001778373.6), dbSNP rs754634473, ClinGen allele CA249305407.